The following is an entry in ClinVar:

NM_133459.4(CCBE1):c.322C>T (p.Arg108Ter)

Gene: CCBE1 (collagen and calcium binding EGF domains 1; minus strand). Cytogenetic location: 18q21.32.
Variant type: single nucleotide variant.
Coding change: c.322C>T on transcript NM_133459.4 (MANE Select); coding-DNA position 322, C replaced by T.
Protein change: p.Arg108Ter; replaces arginine 108 with a stop codon.
Molecular consequence: nonsense.
Genome position (GRCh38, 1-based): chr18:59,469,551, G>A on the plus strand (C>T on the coding strand, the complement: CCBE1 is on the minus strand). VCF-style: chr18-59469551-G-A. GRCh37 (hg19) VCF-style: chr18-57136783-G-A.
Other names: short protein forms R108*.
Identifiers: ClinVar variation 2994186 (VCV002994186.5), dbSNP rs201954546, ClinGen allele CA8980540.

ClinVar aggregate classification (germline): Pathogenic. Review status: criteria provided, multiple submitters, no conflicts (2 of 4 stars). 2 submissions from 2 submitters: Pathogenic (2). Last evaluated 2024-02-02.

Conditions:
Hennekam lymphangiectasia-lymphedema syndrome 1 (HKLLS1). Also called: LYMPHATIC DYSPLASIA, GENERALIZED. Identifiers: Orphanet 2136, MedGen C4012050, MONDO:0009337, OMIM 235510.

Allele frequency attached by ClinVar (database versions not stated): gnomAD exomes 0.00001; ExAC 0.00002; gnomAD 0.00003; TOPMed 0.00006; ESP Exome Variant Server 0.00008.
gnomAD v4.1: 9 of 1,614,018 alleles (0.00056%); highest among the groups gnomAD compares: African/African-American, 0.004%; no homozygotes.

Submissions (2):

Women's Health and Genetics/Laboratory Corporation of America, LabCorp
Classification: Pathogenic for Hennekam lymphangiectasia-lymphedema syndrome 1. Last evaluated: 2024-02-02. Review status: criteria provided, single submitter. Criteria: LabCorp Variant Classification Summary - May 2015. Collection method: clinical testing. Allele origin: germline.
Comment: Variant summary: CCBE1 c.322C>T (p.Arg108X) results in a premature termination codon, predicted to cause absence of the protein due to nonsense mediated decay, which is a commonly known mechanism for disease. The variant allele was found at a frequency of 1.6e-05 in 251350 control chromosomes, predominantly at a frequency of 0.00018 within the African or African-American subpopulation in the gnomAD database. c.322C>T has been reported in the literature in unspecified individual(s) with suspicious cardiovascular disease (example, Glicksberg_2019), however insufficient information was provided for further analysis. To our knowledge, no experimental evidence demonstrating an impact on protein function has been reported. The following publication have been ascertained in the context of this evaluation (PMID: 31345219). No submitters have cited clinical-significance assessments for this variant to ClinVar. Based on the evidence outlined above, the variant was classified as pathogenic.

Labcorp Genetics (formerly Invitae), Labcorp
Classification: Pathogenic. Last evaluated: 2023-10-27. Review status: criteria provided, single submitter. Criteria: Invitae Variant Classification Sherloc (09022015). Collection method: clinical testing. Allele origin: germline.
Comment: This sequence change creates a premature translational stop signal (p.Arg108*) in the CCBE1 gene. It is expected to result in an absent or disrupted protein product. Loss-of-function variants in CCBE1 are known to be pathogenic (PMID: 19935664, 21778431, 26686525). This variant is present in population databases (rs201954546, gnomAD 0.02%). This variant has not been reported in the literature in individuals affected with CCBE1-related conditions. For these reasons, this variant has been classified as Pathogenic.

Literature cited by the submitters: PubMed 31345219 (cited by Women's Health and Genetics/Laboratory Corporation of America, LabCorp); PubMed 19935664 (cited by Labcorp Genetics (formerly Invitae), Labcorp); PubMed 21778431 (cited by Labcorp Genetics (formerly Invitae), Labcorp); PubMed 26686525 (cited by Labcorp Genetics (formerly Invitae), Labcorp).